The following is an entry in ClinVar:

NM_006648.4(WNK2):c.3002G>C (p.Arg1001Pro)

Gene: WNK2 (WNK lysine deficient protein kinase 2; plus strand). Cytogenetic location: 9q22.31.
Variant type: single nucleotide variant.
Coding change: c.3002G>C on transcript NM_006648.4 (MANE Select); coding-DNA position 3002, G replaced by C.
Protein change: p.Arg1001Pro; replaces arginine 1001 with proline.
Molecular consequence: missense variant.
Genome position (GRCh38, 1-based): chr9:93,259,550, G>C. VCF-style: chr9-93259550-G-C. GRCh37 (hg19) VCF-style: chr9-96021832-G-C.
Other names: c.3002G>C, p.Arg1001Pro (NM_001282394.3); short protein forms R1001P.
Identifiers: ClinVar variation 3816690 (VCV003816690.1).
Genomic context (GRCh38, chr9:93,259,550, plus strand): 5'-CCCCGCAACCCATGCTGCCCCCACAACCTGTGCTGCCCCCGCAGCCGGCACTGCCTGTGC[G>C]CCCTGAGCCCCTCCAGCCCCACCTTCCTGAACAAGCTGCTCCAGCTGCTACACCAGGGAG-3'
Protein context (NP_006639.3, residues 991-1011): VLPPQPALPV[Arg1001Pro]PEPLQPHLPE

ClinVar aggregate classification (germline): Uncertain significance (1 of 4 stars; one submission).

gnomAD v4.1: 5 of 1,592,380 alleles (0.00031%); highest among the groups gnomAD compares: Admixed American, 0.0085%; no homozygotes.

Submission:

Ambry Genetics
Classification: Uncertain significance. Last evaluated: 2024-12-31. Review status: criteria provided, single submitter. Criteria: Ambry Variant Classification Scheme 2023. Collection method: clinical testing. Allele origin: germline.
Comment: The p.R1001P variant (also known as c.3002G>C), located in coding exon 11 of the WNK2 gene, results from a G to C substitution at nucleotide position 3002. The arginine at codon 1001 is replaced by proline, an amino acid with dissimilar properties. This amino acid position is conserved. In addition, this alteration is predicted to be tolerated by in silico analysis. Based on the available evidence, the clinical significance of this variant remains unclear.